The following is an entry in ClinVar:

ClinVar aggregate classification (germline): Uncertain significance (1 of 4 stars; one submission).

Submission:

Ambry Genetics
Classification: Uncertain significance. Last evaluated: 2026-03-07. Review status: criteria provided, single submitter. Criteria: Ambry Variant Classification Scheme 2023. Collection method: clinical testing. Allele origin: germline.
Comment: The p.L496I variant (also known as c.1486C>A), located in coding exon 15 of the KIF1B gene, results from a C to A substitution at nucleotide position 1486. The leucine at codon 496 is replaced by isoleucine, an amino acid with highly similar properties. This amino acid position is conserved. In addition, the in silico prediction for this alteration is inconclusive. Based on the available evidence, the clinical significance of this variant remains unclear.

NM_001365951.3(KIF1B):c.1624C>A (p.Leu542Ile)

Gene: KIF1B (kinesin family member 1B; plus strand). Cytogenetic location: 1p36.22.
Variant type: single nucleotide variant.
Coding change: c.1624C>A on transcript NM_001365951.3 (MANE Select); coding-DNA position 1624, C replaced by A.
Protein change: p.Leu542Ile; replaces leucine 542 with isoleucine.
Molecular consequence: missense variant.
Genome position (GRCh38, 1-based): chr1:10,295,119, C>A. VCF-style: chr1-10295119-C-A. GRCh37 (hg19) VCF-style: chr1-10355177-C-A.
Other names: c.1624C>A, p.Leu542Ile (NM_001365952.1); c.1486C>A, p.Leu496Ile (NM_001365953.1, NM_015074.3, NM_183416.4); short protein forms L496I, L542I.
Identifiers: ClinVar variation 4826095 (VCV004826095.1).